The following is an entry in ClinVar:

ClinVar aggregate classification (germline): Benign/Likely benign. Review status: criteria provided, multiple submitters, no conflicts (2 of 4 stars). 4 submissions from 4 submitters: Benign (1); Likely benign (2). 1 of the submissions does not count toward it. Last evaluated 2025-05-01.

Conditions:
HSPB1-related disorder. Also called: HSPB1-related condition; HSPB1-related disorders.
Charcot-Marie-Tooth disease axonal type 2F (CMT2F). Also called: Charcot-Marie-Tooth Neuropathy Type 2F; CHARCOT-MARIE-TOOTH DISEASE, NEURONAL, TYPE 2F. Identifiers: Orphanet 99940, MedGen C1847823, MONDO:0011687, OMIM 606595.
Charcot-Marie-Tooth disease. Also called: Charcot-Marie-Tooth Neuropathy; Charcot-Marie-Tooth Hereditary Neuropathy. Identifiers: Orphanet 166, MedGen C0007959, MONDO:0015626.

Submissions (4):

CeGaT Center for Human Genetics Tuebingen
Classification: Likely benign. Last evaluated: 2025-05-01. Review status: criteria provided, single submitter. Criteria: CeGaT Center For Human Genetics Tuebingen Variant Classification Criteria Version 2. Collection method: clinical testing. Allele origin: germline. Affected: yes. Observed: 1 variant allele.
Comment: HSPB1: BP4

Labcorp Genetics (formerly Invitae), Labcorp
Classification: Benign for Charcot-Marie-Tooth disease axonal type 2F. Last evaluated: 2023-09-21. Review status: criteria provided, single submitter. Criteria: Invitae Variant Classification Sherloc (09022015). Collection method: clinical testing. Allele origin: germline.

Molecular Genetics Laboratory, London Health Sciences Centre
Classification: Likely benign for Charcot-Marie-Tooth disease. Review status: criteria provided, single submitter. Criteria: ACMG Guidelines, 2015. Collection method: clinical testing. Allele origin: germline. Affected: yes.

PreventionGenetics, part of Exact Sciences
Classification: Likely benign for HSPB1-related condition. Last evaluated: 2019-03-06. Review status: no assertion criteria provided. Collection method: clinical testing. Allele origin: germline. Not counted in ClinVar's aggregate classification.
Comment: This variant is classified as likely benign based on ACMG/AMP sequence variant interpretation guidelines (Richards et al. 2015 PMID: 25741868, with internal and published modifications).

NM_001540.5(HSPB1):c.365-5dup

Gene: HSPB1 (heat shock protein family B (small) member 1; plus strand). Cytogenetic location: 7q11.23.
Variant type: Duplication.
Coding change: c.365-5dup on transcript NM_001540.5 (MANE Select); 5 bases into the intron before coding-DNA position 365, one base duplicated (C; older notation c.365-5dupC).
Molecular consequence: intron variant.
Genome position (GRCh38, 1-based): chr7:76,303,797, C duplicated; the last of 6 consecutive C bases (chr7:76,303,792-76,303,797); duplicating any one gives the same sequence. VCF-style (leftmost placement, unchanged base first): chr7-76303791-T-TC. GRCh37 (hg19) VCF-style: chr7-75933108-T-TC.
Identifiers: ClinVar variation 916741 (VCV000916741.20), dbSNP rs759570569, ClinGen allele CA4306352.